The following is an entry in ClinVar:

NM_130839.5(UBE3A):c.1688A>T (p.Asp563Val)

Genes: SNHG14 (small nucleolar RNA host gene 14; plus strand), UBE3A (ubiquitin protein ligase E3A; minus strand). Cytogenetic location: 15q11.2.
Variant type: single nucleotide variant.
Coding change: c.1688A>T on transcript NM_130839.5 (MANE Select); coding-DNA position 1688, A replaced by T.
Protein change: p.Asp563Val; replaces aspartic acid 563 with valine.
Molecular consequence: missense variant. On other transcripts: non-coding transcript variant (1).
Genome position (GRCh38, 1-based): chr15:25,360,448, T>A on the plus strand (A>T on the coding strand, the complement: UBE3A is on the minus strand). VCF-style: chr15-25360448-T-A. GRCh37 (hg19) VCF-style: chr15-25605595-T-A.
Other names: c.1697A>T, p.Asp566Val (NM_000462.5); c.1688A>T, p.Asp563Val (NM_001354505.1, NM_001354538.2, NM_001354545.2); c.1628A>T, p.Asp543Val (NM_001354506.2, NM_001354507.2, NM_001354508.2 and 17 more transcripts); c.1511A>T, p.Asp504Val (NM_001354546.2); c.437A>T, p.Asp146Val (NM_001354550.2); c.377A>T, p.Asp126Val (NM_001354551.2); short protein forms D126V, D146V, D504V, D543V, D563V, D566V.
Identifiers: ClinVar variation 4975660 (VCV004975660.1).

ClinVar aggregate classification (germline): Uncertain significance (1 of 4 stars; one submission).

Submission:

GeneDx
Classification: Uncertain significance. Last evaluated: 2026-02-01. Review status: criteria provided, single submitter. Criteria: GeneDx Variant Classification Process June 2021. Collection method: clinical testing. Allele origin: germline.
Comment: Not observed at significant frequency in large population cohorts (gnomAD); In silico analysis supports that this missense variant has a deleterious effect on protein structure/function; Has not been previously published as pathogenic or benign to our knowledge